The following is an entry in ClinVar:

ClinVar aggregate classification (germline): Conflicting classifications of pathogenicity. Review status: criteria provided, conflicting classifications (1 of 4 stars). 2 submissions from 2 submitters: Uncertain significance (1); Likely benign (1). Last evaluated 2023-03-23.

Conditions:
Hereditary cancer-predisposing syndrome. Also called: Hereditary Cancer Syndrome; Hereditary neoplastic syndrome; Neoplastic Syndromes, Hereditary; Tumor predisposition. Identifiers: Orphanet 140162, MedGen C0027672, MeSH D009386, MONDO:0015356.

Submissions (2):

University of Washington Department of Laboratory Medicine, University of Washington
Classification: Likely benign for Hereditary cancer-predisposing syndrome. Last evaluated: 2023-03-23. Review status: criteria provided, single submitter. Criteria: Dines et al. (Genet Med. 2020). Collection method: curation. Allele origin: germline.
Comment: Missense variant in a coldspot region where missense variants are very unlikely to be pathogenic (PMID:31911673).

BRCA2 exon 11 coldspot. Reclassification based on statistical prior probability.

Mayo Clinic Laboratories, Mayo Clinic
Classification: Uncertain significance. Last evaluated: 2020-11-16. Review status: criteria provided, single submitter. Criteria: ACMG Guidelines, 2015. Collection method: clinical testing. Allele origin: germline. Observed: 1 variant allele.

NM_000059.4(BRCA2):c.5837C>T (p.Ser1946Leu)

Gene: BRCA2 (BRCA2 DNA repair associated; plus strand). Cytogenetic location: 13q13.1.
Variant type: single nucleotide variant.
Coding change: c.5837C>T on transcript NM_000059.4 (MANE Select); coding-DNA position 5837, C replaced by T.
Protein change: p.Ser1946Leu; replaces serine 1946 with leucine.
Molecular consequence: missense variant.
Genome position (GRCh38, 1-based): chr13:32,340,192, C>T. VCF-style: chr13-32340192-C-T. GRCh37 (hg19) VCF-style: chr13-32914329-C-T.
Other names: short protein forms S1946L.
Identifiers: ClinVar variation 1163357 (VCV001163357.6), dbSNP rs2137521516, ClinGen allele CA387787349.